The following is an entry in ClinVar:

ClinVar aggregate classification (germline): Likely benign (1 of 4 stars; one submission).

gnomAD v4.1: 20 of 1,611,448 alleles (0.0012%); highest among the groups gnomAD compares: Middle Eastern, 0.016%; no homozygotes.

Submission:

CeGaT Center for Human Genetics Tuebingen
Classification: Likely benign. Last evaluated: 2026-03-01. Review status: criteria provided, single submitter. Criteria: CeGaT Center For Human Genetics Tuebingen Variant Classification Criteria Version 2. Collection method: clinical testing. Allele origin: germline. Affected: yes. Observed: 1 variant allele.
Comment: PKD1: BP4, BP7

NM_001009944.3(PKD1):c.3696C>T (p.Ser1232=)

Gene: PKD1 (polycystin 1, transient receptor potential channel interacting; minus strand). Cytogenetic location: 16p13.3.
Variant type: single nucleotide variant.
Coding change: c.3696C>T on transcript NM_001009944.3 (MANE Select); coding-DNA position 3696, C replaced by T.
Protein change: p.Ser1232=; no amino-acid change (serine 1232 retained).
Molecular consequence: synonymous variant.
Genome position (GRCh38, 1-based): chr16:2,111,471, G>A on the plus strand (C>T on the coding strand, the complement: PKD1 is on the minus strand). VCF-style: chr16-2111471-G-A. GRCh37 (hg19) VCF-style: chr16-2161472-G-A.
Other names: c.3696C>T, p.Ser1232= (NM_000296.4).
Identifiers: ClinVar variation 4873078 (VCV004873078.2).